The following is an entry in ClinVar:

NM_007194.4(CHEK2):c.893A>T (p.Tyr298Phe)

Gene: CHEK2 (checkpoint kinase 2; minus strand). Cytogenetic location: 22q12.1.
Variant type: single nucleotide variant.
Coding change: c.893A>T on transcript NM_007194.4 (MANE Select); coding-DNA position 893, A replaced by T.
Protein change: p.Tyr298Phe; replaces tyrosine 298 with phenylalanine.
Molecular consequence: missense variant.
Genome position (GRCh38, 1-based): chr22:28,703,520, T>A on the plus strand (A>T on the coding strand, the complement: CHEK2 is on the minus strand). VCF-style: chr22-28703520-T-A. GRCh37 (hg19) VCF-style: chr22-29099508-T-A.
Other names: c.1022A>T, p.Tyr341Phe (NM_001005735.3); c.230A>T, p.Tyr77Phe (NM_001257387.3); c.692A>T, p.Tyr231Phe (NM_001349956.3); c.893A>T, p.Tyr298Phe (NM_145862.3); short protein forms Y298F, Y77F, Y231F, Y341F.
Identifiers: ClinVar variation 1810732 (VCV001810732.6), dbSNP rs1569128113, ClinGen allele CA411101000.

ClinVar aggregate classification (germline): Uncertain significance. Review status: criteria provided, multiple submitters, no conflicts (2 of 4 stars). 2 submissions from 2 submitters: Uncertain significance (2). Last evaluated 2022-07-31.

Conditions:
Familial cancer of breast. Also called: Hereditary breast cancer; BREAST CANCER, FAMILIAL; hereditary breast carcinoma. Identifiers: Orphanet 227535, MedGen C0346153, MONDO:0016419, OMIM 114480. Disease mechanism: loss of function.

Submissions (2):

Labcorp Genetics (formerly Invitae), Labcorp
Classification: Uncertain significance for Familial cancer of breast. Last evaluated: 2022-07-31. Review status: criteria provided, single submitter. Criteria: Invitae Variant Classification Sherloc (09022015). Collection method: clinical testing. Allele origin: germline.
Comment: This sequence change replaces tyrosine, which is neutral and polar, with phenylalanine, which is neutral and non-polar, at codon 298 of the CHEK2 protein (p.Tyr298Phe). This variant is not present in population databases (gnomAD no frequency). This variant has not been reported in the literature in individuals affected with CHEK2-related conditions. Algorithms developed to predict the effect of missense changes on protein structure and function output the following: SIFT: "Tolerated"; PolyPhen-2: "Benign"; Align-GVGD: "Class C0". The phenylalanine amino acid residue is found in multiple mammalian species, which suggests that this missense change does not adversely affect protein function. In summary, the available evidence is currently insufficient to determine the role of this variant in disease. Therefore, it has been classified as a Variant of Uncertain Significance.

GeneDx
Classification: Uncertain significance. Last evaluated: 2022-07-07. Review status: criteria provided, single submitter. Criteria: GeneDx Variant Classification Process June 2021. Collection method: clinical testing. Allele origin: germline. Affected: yes.
Comment: Not observed at significant frequency in large population cohorts (gnomAD); In silico analysis supports that this missense variant has a deleterious effect on protein structure/function; Has not been previously published as pathogenic or benign to our knowledge; This variant is associated with the following publications: (PMID: 22419737, 19782031)